The following is an entry in ClinVar:

ClinVar aggregate classification (germline): Uncertain significance (1 of 4 stars; one submission).

Allele frequency attached by ClinVar (database versions not stated): gnomAD exomes below 0.00001; TOPMed below 0.00001; gnomAD 0.00001.
gnomAD v4.1: 4 of 1,613,288 alleles (0.00025%); highest among the groups gnomAD compares: Non-Finnish European, 0.00034%; no homozygotes.

Submission:

GeneDx
Classification: Uncertain significance. Last evaluated: 2019-04-01. Review status: criteria provided, single submitter. Criteria: GeneDx Variant Classification Process June 2021. Collection method: clinical testing. Allele origin: germline. Affected: yes.
Comment: Not observed in large population cohorts (Lek et al., 2016); In silico analysis, which includes protein predictors and evolutionary conservation, supports a deleterious effect; Has not been previously published as pathogenic or benign to our knowledge

NM_001292034.3(TAB2):c.1751C>T (p.Ser584Phe)

Gene: TAB2 (TGF-beta activated kinase 1 (MAP3K7) binding protein 2; plus strand). Cytogenetic location: 6q25.1.
Variant type: single nucleotide variant.
Coding change: c.1751C>T on transcript NM_001292034.3 (MANE Select); coding-DNA position 1751, C replaced by T.
Protein change: p.Ser584Phe; replaces serine 584 with phenylalanine.
Molecular consequence: missense variant.
Genome position (GRCh38, 1-based): chr6:149,397,751, C>T. VCF-style: chr6-149397751-C-T. GRCh37 (hg19) VCF-style: chr6-149718887-C-T.
Other names: c.1655C>T, p.Ser552Phe (NM_001292035.3); c.1751C>T, p.Ser584Phe (NM_001369506.1, NM_015093.6); short protein forms S552F, S584F.
Identifiers: ClinVar variation 1308459 (VCV001308459.2), dbSNP rs1473990780, ClinGen allele CA366004173.